The following is an entry in ClinVar:

NM_000057.4(BLM):c.2662T>C (p.Tyr888His)

Gene: BLM (BLM RecQ like helicase; plus strand). Cytogenetic location: 15q26.1.
Variant type: single nucleotide variant.
Coding change: c.2662T>C on transcript NM_000057.4 (MANE Select); coding-DNA position 2662, T replaced by C.
Protein change: p.Tyr888His; replaces tyrosine 888 with histidine.
Molecular consequence: missense variant.
Genome position (GRCh38, 1-based): chr15:90,782,928, T>C. VCF-style: chr15-90782928-T-C. GRCh37 (hg19) VCF-style: chr15-91326158-T-C.
Other names: c.2662T>C, p.Tyr888His (NM_001287246.2, NM_001287247.2); c.1537T>C, p.Tyr513His (NM_001287248.2); c.2662T>C (NM_000057.2); short protein forms Y888H, Y513H.
Identifiers: ClinVar variation 454112 (VCV000454112.16), dbSNP rs758696992, ClinGen allele CA7738836.

ClinVar aggregate classification (germline): Conflicting classifications of pathogenicity. Review status: criteria provided, conflicting classifications (1 of 4 stars). 5 submissions from 5 submitters: Uncertain significance (3); Likely benign (1). 1 of the submissions does not count toward it. Last evaluated 2025-01-13.

Conditions:
Hereditary cancer-predisposing syndrome. Also called: Hereditary Cancer Syndrome; Hereditary neoplastic syndrome; Neoplastic Syndromes, Hereditary; Tumor predisposition. Identifiers: Orphanet 140162, MedGen C0027672, MeSH D009386, MONDO:0015356.
Bloom syndrome (BLM). Also called: Bloom-Torre-Machacek syndrome. Identifiers: Orphanet 125, MedGen C0005859, MONDO:0008876, OMIM 210900.

Allele frequency attached by ClinVar (database versions not stated): gnomAD exomes below 0.00001; TOPMed below 0.00001; ExAC 0.00001; gnomAD 0.00001.
gnomAD v4.1: 4 of 1,603,290 alleles (0.00025%); highest among the groups gnomAD compares: Non-Finnish European, 0.00034%; no homozygotes.

Submissions (5):

Labcorp Genetics (formerly Invitae), Labcorp
Classification: Uncertain significance for Bloom syndrome. Last evaluated: 2025-01-13. Review status: criteria provided, single submitter. Criteria: Invitae Variant Classification Sherloc (09022015). Collection method: clinical testing. Allele origin: germline.
Comment: This sequence change replaces tyrosine, which is neutral and polar, with histidine, which is basic and polar, at codon 888 of the BLM protein (p.Tyr888His). This variant is present in population databases (rs758696992, gnomAD 0.0009%). This variant has not been reported in the literature in individuals affected with BLM-related conditions. ClinVar contains an entry for this variant (Variation ID: 454112). An algorithm developed to predict the effect of missense changes on protein structure and function outputs the following: PolyPhen-2: "Benign". The histidine amino acid residue is found in multiple mammalian species, which suggests that this missense change does not adversely affect protein function. In summary, the available evidence is currently insufficient to determine the role of this variant in disease. Therefore, it has been classified as a Variant of Uncertain Significance.

Quest Diagnostics Nichols Institute San Juan Capistrano
Classification: Uncertain significance. Last evaluated: 2023-02-09. Review status: criteria provided, single submitter. Criteria: Quest Diagnostics criteria. Collection method: clinical testing. Allele origin: unknown.
Comment: To the best of our knowledge, the variant has not been reported in the published literature. The frequency of this variant in the general population, 0.000004 (1/250992 chromosomes), is uninformative in assessment of its pathogenicity. Analysis of this variant using bioinformatics tools for the prediction of the effect of amino acid changes on protein structure and function yielded predictions that this variant is benign. Based on the available information, we are unable to determine the clinical significance of this variant.

Sema4
Classification: Uncertain significance for Hereditary cancer-predisposing syndrome. Last evaluated: 2022-02-07. Review status: criteria provided, single submitter. Criteria: Sema4 Curation Guidelines. Collection method: curation. Allele origin: germline.
Comment: The BLM c.2662T>C (p.Y888H) variant has not been reported in the literature to our knowledge. This variant was observed in 1/113494 chromosomes in the Non-Finnish European population, in the large and broad cohorts of the Genome Aggregation Database (PMID: 32461654). The variant has been reported in ClinVar (Variation ID: 454112). In silico tools suggest the impact of the variant on protein function is benign, though these predictions have not been confirmed by functional studies. The evidence is insufficient to meet ACMG/AMP criteria for classifying the variant as benign or pathogenic. Thus, the clinical significance of this variant is currently uncertain.

Ambry Genetics
Classification: Likely benign for Hereditary cancer-predisposing syndrome. Last evaluated: 2021-10-15. Review status: criteria provided, single submitter. Criteria: Ambry Variant Classification Scheme 2023. Collection method: clinical testing. Allele origin: germline.

Natera, Inc.
Classification: Uncertain significance for Bloom syndrome. Last evaluated: 2021-05-26. Review status: no assertion criteria provided. Collection method: clinical testing. Allele origin: germline. Not counted in ClinVar's aggregate classification.